The following is an entry in ClinVar:

NM_000038.6(APC):c.642A>C (p.Ala214=)

Gene: APC (APC regulator of Wnt signaling pathway; plus strand). Cytogenetic location: 5q22.2.
Variant type: single nucleotide variant.
Coding change: c.642A>C on transcript NM_000038.6 (MANE Select); coding-DNA position 642, A replaced by C.
Protein change: p.Ala214=; no amino-acid change (alanine 214 retained).
Molecular consequence: synonymous variant. On other transcripts: 5 prime UTR variant (1).
Genome position (GRCh38, 1-based): chr5:112,780,900, A>C. VCF-style: chr5-112780900-A-C. GRCh37 (hg19) VCF-style: chr5-112116597-A-C.
Other names: c.642A>C, p.Ala214= (NM_001127510.3, NM_001354895.2, NM_001354896.2 and 2 more transcripts); c.672A>C, p.Ala224= (NM_001127511.3, NM_001354897.2, NM_001354902.2); c.567A>C, p.Ala189= (NM_001354898.2, NM_001354904.2); c.465A>C, p.Ala155= (NM_001354900.2, NM_001354901.2, NM_001354905.2); c.-394A>C (NM_001354906.2).
Identifiers: ClinVar variation 798738 (VCV000798738.14), dbSNP rs1580380453, ClinGen allele CA445755530.
Genomic context (GRCh38, chr5:112,780,900, plus strand): 5'-GCAAATCAGAGTTGCGATGGAAGAACAACTAGGTACCTGCCAGGATATGGAAAAACGAGC[A>C]CAGGTAAGTTACTTGTTTCTAAGTGATAAAACAGCGAAGAGCTATTAGGAATAAAATGAA-3'
Protein context (NP_000029.2, residues 204-224): LGTCQDMEKR[Ala214=]QRRIARIQQI

ClinVar aggregate classification (germline): Benign/Likely benign. Review status: criteria provided, multiple submitters, no conflicts (2 of 4 stars). 3 submissions from 3 submitters: Benign (1); Likely benign (2). Last evaluated 2024-02-26.

Conditions:
Hereditary cancer-predisposing syndrome. Also called: Tumor predisposition; Neoplastic Syndromes, Hereditary; Hereditary Cancer Syndrome; Hereditary neoplastic syndrome. Identifiers: Orphanet 140162, MedGen C0027672, MeSH D009386, MONDO:0015356.
Familial adenomatous polyposis 1 (FAP1). Also called: POLYPOSIS, ADENOMATOUS INTESTINAL; FAMILIAL ADENOMATOUS POLYPOSIS 1, ATTENUATED. Identifiers: MedGen C2713442, MONDO:0021056, OMIM 175100. Disease mechanism: loss of function.

Submissions (3):

Myriad Genetics, Inc.
Classification: Benign for Familial adenomatous polyposis 1. Last evaluated: 2024-02-26. Review status: criteria provided, single submitter. Criteria: Myriad Autosomal Dominant, Autosomal Recessive and X-Linked Classification Criteria (2023). Collection method: clinical testing. Allele origin: unknown.
Comment: This variant is considered benign. This variant is a silent/synonymous amino acid change and it is not expected to impact splicing.

Ambry Genetics
Classification: Likely benign for Hereditary cancer-predisposing syndrome. Last evaluated: 2022-08-29. Review status: criteria provided, single submitter. Criteria: Ambry Variant Classification Scheme 2023. Collection method: clinical testing. Allele origin: germline.

Labcorp Genetics (formerly Invitae), Labcorp
Classification: Likely benign for Familial adenomatous polyposis 1. Last evaluated: 2019-04-07. Review status: criteria provided, single submitter. Criteria: Invitae Variant Classification Sherloc (09022015). Collection method: clinical testing. Allele origin: germline.